The following is an entry in ClinVar:

NM_003590.5(CUL3):c.1559C>T (p.Pro520Leu)

Gene: CUL3 (cullin 3; minus strand). Cytogenetic location: 2q36.2.
Variant type: single nucleotide variant.
Coding change: c.1559C>T on transcript NM_003590.5 (MANE Select); coding-DNA position 1559, C replaced by T.
Protein change: p.Pro520Leu; replaces proline 520 with leucine.
Molecular consequence: missense variant.
Genome position (GRCh38, 1-based): chr2:224,500,414, G>A on the plus strand (C>T on the coding strand, the complement: CUL3 is on the minus strand). VCF-style: chr2-224500414-G-A. GRCh37 (hg19) VCF-style: chr2-225365131-G-A.
Other names: c.1361C>T, p.Pro454Leu (NM_001257197.2); c.1577C>T, p.Pro526Leu (NM_001257198.2); short protein forms P454L, P520L, P526L.
Identifiers: ClinVar variation 1312020 (VCV001312020.2), dbSNP rs2106189063, ClinGen allele CA350825992.

ClinVar aggregate classification (germline): Uncertain significance (1 of 4 stars; one submission).

Submission:

GeneDx
Classification: Uncertain significance. Last evaluated: 2019-09-06. Review status: criteria provided, single submitter. Criteria: GeneDx Variant Classification Process June 2021. Collection method: clinical testing. Allele origin: germline. Affected: yes.
Comment: Not observed in large population cohorts (Lek et al., 2016); In silico analysis, which includes protein predictors and evolutionary conservation, supports a deleterious effect; Has not been previously published as pathogenic or benign to our knowledge